The following is an entry in ClinVar:

ClinVar aggregate classification (germline): Pathogenic. Review status: criteria provided, single submitter (1 of 4 stars). 3 submissions from 3 submitters: Pathogenic (1). 2 of the submissions do not count toward it. Last evaluated 2025-04-27.

Conditions:
Distal hereditary motor neuropathy type 2. Identifiers: Orphanet 139525, MedGen C3711384, MeSH C580044, MONDO:0015352.
Neuronopathy, distal hereditary motor, type 2D. Also called: HMN IID; SPINAL MUSCULAR ATROPHY, DISTAL, AUTOSOMAL DOMINANT, CALF-PREDOMINANT; NEURONOPATHY, DISTAL HEREDITARY MOTOR, AUTOSOMAL DOMINANT 6; NEURONOPATHY, DISTAL HEREDITARY MOTOR, HARDING TYPE IID; NEUROPATHY, DISTAL HEREDITARY MOTOR, HARDING TYPE IID. Identifiers: Orphanet 139525, MedGen C3888271, MONDO:0014259, OMIM 615575.

Submissions (3):

Labcorp Genetics (formerly Invitae), Labcorp
Classification: Pathogenic for Distal hereditary motor neuropathy type 2. Last evaluated: 2025-04-27. Review status: criteria provided, single submitter. Criteria: Invitae Variant Classification Sherloc (09022015). Collection method: clinical testing. Allele origin: germline.
Comment: This sequence change replaces cysteine, which is neutral and slightly polar, with arginine, which is basic and polar, at codon 206 of the FBXO38 protein (p.Cys206Arg). This variant is not present in population databases (gnomAD no frequency). This missense change has been observed in individual(s) with distal spinal muscular atrophy (PMID: 24207122). It has also been observed to segregate with disease in related individuals. ClinVar contains an entry for this variant (Variation ID: 91854). Invitae Evidence Modeling of protein sequence and biophysical properties (such as structural, functional, and spatial information, amino acid conservation, physicochemical variation, residue mobility, and thermodynamic stability) indicates that this missense variant is not expected to disrupt FBXO38 protein function with a negative predictive value of 80%. Experimental studies have shown that this missense change affects FBXO38 function (PMID: 24207122). For these reasons, this variant has been classified as Pathogenic.

Inherited Neuropathy Consortium Ii, University Of Miami
Classification: Uncertain significance for Distal hereditary motor neuropathy type 2. Last evaluated: 2016-01-06. Review status: no assertion criteria provided. Collection method: literature only. Allele origin: germline. Affected: yes. Not counted in ClinVar's aggregate classification.

OMIM
Classification: Pathogenic for NEURONOPATHY, DISTAL HEREDITARY MOTOR, AUTOSOMAL DOMINANT 6. Last evaluated: 2013-11-07. Review status: no assertion criteria provided. Collection method: literature only. Allele origin: germline. Not counted in ClinVar's aggregate classification.

Literature cited by the submitters: PubMed 24207122 (cited by 3 submitters); PubMed 7723957 (cited by OMIM).

NM_205836.3(FBXO38):c.616T>C (p.Cys206Arg)

Gene: FBXO38 (F-box protein 38; plus strand). Cytogenetic location: 5q32.
Variant type: single nucleotide variant.
Coding change: c.616T>C on transcript NM_205836.3 (MANE Select); coding-DNA position 616, T replaced by C.
Protein change: p.Cys206Arg; replaces cysteine 206 with arginine.
Molecular consequence: missense variant.
Genome position (GRCh38, 1-based): chr5:148,404,708, T>C. VCF-style: chr5-148404708-T-C. GRCh37 (hg19) VCF-style: chr5-147784271-T-C.
Other names: c.616T>C, p.Cys206Arg (NM_001271723.2, NM_030793.5); short protein forms C206R.
Identifiers: ClinVar variation 91854 (VCV000091854.11), dbSNP rs398122838, ClinGen allele CA145479.